The following is an entry in ClinVar:

ClinVar aggregate classification (germline): Uncertain significance (1 of 4 stars; one submission).

Allele frequency attached by ClinVar (database versions not stated): gnomAD exomes below 0.00001; gnomAD 0.00001.
gnomAD v4.1: 4 of 1,613,644 alleles (0.00025%); highest among the groups gnomAD compares: African/African-American, 0.0053%; no homozygotes.

Submission:

Labcorp Genetics (formerly Invitae), Labcorp
Classification: Uncertain significance. Last evaluated: 2021-04-21. Review status: criteria provided, single submitter. Criteria: Invitae Variant Classification Sherloc (09022015). Collection method: clinical testing. Allele origin: germline.
Comment: Advanced modeling of protein sequence and biophysical properties (such as structural, functional, and spatial information, amino acid conservation, physicochemical variation, residue mobility, and thermodynamic stability) performed at Invitae indicates that this missense variant is not expected to disrupt FAT4 protein function. This variant has not been reported in the literature in individuals with FAT4-related conditions. This variant is not present in population databases (ExAC no frequency). This sequence change replaces valine with leucine at codon 2266 of the FAT4 protein (p.Val2266Leu). The valine residue is highly conserved and there is a small physicochemical difference between valine and leucine. In summary, the available evidence is currently insufficient to determine the role of this variant in disease. Therefore, it has been classified as a Variant of Uncertain Significance.

NM_001291303.3(FAT4):c.6796G>C (p.Val2266Leu)

Gene: FAT4 (FAT atypical cadherin 4; plus strand). Cytogenetic location: 4q28.1.
Variant type: single nucleotide variant.
Coding change: c.6796G>C on transcript NM_001291303.3 (MANE Select); coding-DNA position 6796, G replaced by C.
Protein change: p.Val2266Leu; replaces valine 2266 with leucine.
Molecular consequence: missense variant.
Genome position (GRCh38, 1-based): chr4:125,415,759, G>C. VCF-style: chr4-125415759-G-C. GRCh37 (hg19) VCF-style: chr4-126336914-G-C.
Other names: c.6796G>C, p.Val2266Leu (NM_001291285.3, NM_024582.6); short protein forms V2266L.
Identifiers: ClinVar variation 1489573 (VCV001489573.6), dbSNP rs1055990626, ClinGen allele CA104854561.